The following is an entry in ClinVar:

ClinVar aggregate classification (germline): Likely benign (0 of 4 stars; one submission).

Conditions:
ALOXE3-related disorder. Also called: ALOXE3-related condition.

gnomAD v4.1: 12 of 1,612,802 alleles (0.00074%); highest among the groups gnomAD compares: East Asian, 0.022%; no homozygotes.

Submission:

PreventionGenetics, part of Exact Sciences
Classification: Likely benign for ALOXE3-related condition. Last evaluated: 2019-05-28. Review status: no assertion criteria provided. Collection method: clinical testing. Allele origin: germline.
Comment: This variant is classified as likely benign based on ACMG/AMP sequence variant interpretation guidelines (Richards et al. 2015 PMID: 25741868, with internal and published modifications).

NM_021628.3(ALOXE3):c.1562+4C>A

Gene: ALOXE3 (arachidonate epidermal lipoxygenase 3; minus strand). Cytogenetic location: 17p13.1.
Variant type: single nucleotide variant.
Coding change: c.1562+4C>A on transcript NM_021628.3 (MANE Select); 4 bases into the intron after coding-DNA position 1562, C replaced by A.
Molecular consequence: intron variant.
Genome position (GRCh38, 1-based): chr17:8,109,170, G>T on the plus strand (C>A on the coding strand, the complement: ALOXE3 is on the minus strand). VCF-style: chr17-8109170-G-T. GRCh37 (hg19) VCF-style: chr17-8012488-G-T.
Other names: c.1958+4C>A (NM_001165960.1); c.1559+4C>A (NM_001369446.1).
Identifiers: ClinVar variation 3039714 (VCV003039714.2), dbSNP rs757289063, ClinGen allele CA8368060.